The following is an entry in ClinVar:

NM_145893.3(RBFOX1):c.989T>G (p.Leu330Arg)

Gene: RBFOX1 (RNA binding fox-1 homolog 1; plus strand). Cytogenetic location: 16p13.3.
Variant type: single nucleotide variant.
Coding change: c.989T>G on transcript NM_145893.3 (MANE Plus Clinical); coding-DNA position 989, T replaced by G.
Protein change: p.Leu330Arg; replaces leucine 330 with arginine.
Molecular consequence: missense variant. On other transcripts: intron variant (5).
Genome position (GRCh38, 1-based): chr16:7,671,595, T>G. VCF-style: chr16-7671595-T-G. GRCh37 (hg19) VCF-style: chr16-7721597-T-G.
Other names: c.989T>G, p.Leu330Arg (NM_145891.3, NM_145892.3); c.931-5179T>G (NM_001364800.2, NM_018723.4, NM_001142334.2); c.850-5179T>G (NM_001142333.2); c.1060-5179T>G (NM_001308117.1); short protein forms L330R.
Identifiers: ClinVar variation 2150858 (VCV002150858.4), dbSNP rs757494481, ClinGen allele CA277415665.

ClinVar aggregate classification (germline): Uncertain significance (1 of 4 stars; one submission).

Conditions:
Idiopathic generalized epilepsy. Also called: EIG; Generalised epilepsy. Identifiers: MedGen C0270850, MONDO:0005579, OMIM 600669.

Allele frequency attached by ClinVar (database versions not stated): gnomAD 0.00001; gnomAD exomes 0.00002; TOPMed 0.00002.
gnomAD v4.1: 24 of 1,611,700 alleles (0.0015%); highest among the groups gnomAD compares: Non-Finnish European, 0.0019%; no homozygotes.

Submission:

Labcorp Genetics (formerly Invitae), Labcorp
Classification: Uncertain significance for Idiopathic generalized epilepsy. Last evaluated: 2024-10-27. Review status: criteria provided, single submitter. Criteria: Invitae Variant Classification Sherloc (09022015). Collection method: clinical testing. Allele origin: germline.
Comment: This sequence change replaces leucine, which is neutral and non-polar, with arginine, which is basic and polar, at codon 330 of the RBFOX1 protein (p.Leu330Arg). The frequency data for this variant in the population databases is considered unreliable, as metrics indicate poor data quality at this position in the gnomAD database. This variant has not been reported in the literature in individuals affected with RBFOX1-related conditions. ClinVar contains an entry for this variant (Variation ID: 2150858). Invitae Evidence Modeling of protein sequence and biophysical properties (such as structural, functional, and spatial information, amino acid conservation, physicochemical variation, residue mobility, and thermodynamic stability) indicates that this missense variant is not expected to disrupt RBFOX1 protein function with a negative predictive value of 80%. In summary, the available evidence is currently insufficient to determine the role of this variant in disease. Therefore, it has been classified as a Variant of Uncertain Significance.